The following is an entry in ClinVar:

ClinVar aggregate classification (germline): Benign/Likely benign. Review status: criteria provided, multiple submitters, no conflicts (2 of 4 stars). 2 submissions from 2 submitters: Benign (1); Likely benign (1). Last evaluated 2025-12-30.

Allele frequency attached by ClinVar (database versions not stated): ExAC 0.00005; ESP Exome Variant Server 0.00010.
gnomAD v4.1: 39 of 1,185,288 alleles (0.0033%); highest among the groups gnomAD compares: Admixed American, 0.028%; no homozygotes.

Submissions (2):

Labcorp Genetics (formerly Invitae), Labcorp
Classification: Benign. Last evaluated: 2025-12-30. Review status: criteria provided, single submitter. Criteria: Invitae Variant Classification Sherloc (09022015). Collection method: clinical testing. Allele origin: germline.

CeGaT Center for Human Genetics Tuebingen
Classification: Likely benign. Last evaluated: 2023-02-01. Review status: criteria provided, single submitter. Criteria: CeGaT Center For Human Genetics Tuebingen Variant Classification Criteria Version 2. Collection method: clinical testing. Allele origin: germline. Affected: yes. Observed: 1 variant allele.
Comment: USP9X: BP4, BS2

NM_001039591.3(USP9X):c.5331+4C>A

Gene: USP9X (ubiquitin specific peptidase 9 X-linked; plus strand). Cytogenetic location: Xp11.4.
Variant type: single nucleotide variant.
Coding change: c.5331+4C>A on transcript NM_001039591.3 (MANE Select); 4 bases into the intron after coding-DNA position 5331, C replaced by A.
Molecular consequence: intron variant.
Genome position (GRCh38, 1-based): chrX:41,214,713, C>A. VCF-style: chrX-41214713-C-A. GRCh37 (hg19) VCF-style: chrX-41073966-C-A.
Other names: c.5346+4C>A (NM_001410748.1, NM_001410749.1); c.5331+4C>A (NM_001039590.3).
Identifiers: ClinVar variation 2660332 (VCV002660332.27), dbSNP rs375119776, ClinGen allele CA10388983.
Genomic context (GRCh38, chrX:41,214,713, plus strand): 5'-AAAGGAGATTTACTAGAAGGTGCAAATGCATATCATTGTGAAAAATGCAATAAAAAGGTA[C>A]GGGCTGTCCAGTTTTGTTTAATTTTGATTACATTTAATGGATTTAGAAGAAATTGGTTTT-3'